The following is an entry in ClinVar:

ClinVar aggregate classification (germline): Uncertain significance (1 of 4 stars; one submission).

gnomAD v4.1: 11 of 1,614,078 alleles (0.00068%); highest among the groups gnomAD compares: East Asian, 0.011%; no homozygotes.

Submission:

Labcorp Genetics (formerly Invitae), Labcorp
Classification: Uncertain significance. Last evaluated: 2025-03-04. Review status: criteria provided, single submitter. Criteria: Invitae Variant Classification Sherloc (09022015). Collection method: clinical testing. Allele origin: germline.
Comment: This sequence change replaces arginine, which is basic and polar, with glutamine, which is neutral and polar, at codon 643 of the ANKZF1 protein (p.Arg643Gln). This variant is present in population databases (rs370350754, gnomAD 0.006%). This variant has not been reported in the literature in individuals affected with ANKZF1-related conditions. An algorithm developed to predict the effect of missense changes on protein structure and function outputs the following: PolyPhen-2: "Benign". The glutamine amino acid residue is found in multiple mammalian species, which suggests that this missense change does not adversely affect protein function. In summary, the available evidence is currently insufficient to determine the role of this variant in disease. Therefore, it has been classified as a Variant of Uncertain Significance.

NM_018089.3(ANKZF1):c.1928G>A (p.Arg643Gln)

Gene: ANKZF1 (ankyrin repeat and zinc finger peptidyl tRNA hydrolase 1; plus strand). Cytogenetic location: 2q35.
Variant type: single nucleotide variant.
Coding change: c.1928G>A on transcript NM_018089.3 (MANE Select); coding-DNA position 1928, G replaced by A.
Protein change: p.Arg643Gln; replaces arginine 643 with glutamine.
Molecular consequence: missense variant.
Genome position (GRCh38, 1-based): chr2:219,235,832, G>A. VCF-style: chr2-219235832-G-A. GRCh37 (hg19) VCF-style: chr2-220100554-G-A.
Other names: c.1928G>A, p.Arg643Gln (NM_001042410.2); c.1298G>A, p.Arg433Gln (NM_001282792.2); short protein forms R643Q, R433Q.
Identifiers: ClinVar variation 4767420 (VCV004767420.1).